The following is an entry in ClinVar:

NM_001165963.4(SCN1A):c.4070T>A (p.Phe1357Tyr)

Genes: SCN1A (sodium voltage-gated channel alpha subunit 1; minus strand), LOC102724058 (uncharacterized LOC102724058; plus strand). Cytogenetic location: 2q24.3.
Variant type: single nucleotide variant.
Coding change: c.4070T>A on transcript NM_001165963.4 (MANE Select); coding-DNA position 4070, T replaced by A.
Protein change: p.Phe1357Tyr; replaces phenylalanine 1357 with tyrosine.
Molecular consequence: missense variant. On other transcripts: non-coding transcript variant (1).
Genome position (GRCh38, 1-based): chr2:166,002,686, A>T on the plus strand (T>A on the coding strand, the complement: SCN1A is on the minus strand). VCF-style: chr2-166002686-A-T. GRCh37 (hg19) VCF-style: chr2-166859196-A-T.
Other names: c.3986T>A, p.Phe1329Tyr (NM_001165964.3, NM_001353957.2, NM_001353958.2); c.4070T>A, p.Phe1357Tyr (NM_001202435.3, NM_001353948.2); c.4037T>A, p.Phe1346Tyr (NM_001353949.2, NM_001353950.2, NM_006920.6 and 2 more transcripts); c.4034T>A, p.Phe1345Tyr (NM_001353954.2, NM_001353955.2); c.3983T>A, p.Phe1328Tyr (NM_001353960.2); c.1628T>A, p.Phe543Tyr (NM_001353961.2); short protein forms F1328Y, F1329Y, F1345Y, F1357Y, F543Y, F1346Y.
Identifiers: ClinVar variation 2703919 (VCV002703919.3), dbSNP rs2468437331, ClinGen allele CA349050624.

ClinVar aggregate classification (germline): Uncertain significance (1 of 4 stars; one submission).

Conditions:
Early-infantile DEE. Also called: Ohtahara syndrome; Early infantile epileptic encephalopathy with suppression bursts; Early infantile epileptic encephalopathy. Identifiers: Orphanet 1934, MedGen C0393706, MONDO:0800491.

Submission:

Labcorp Genetics (formerly Invitae), Labcorp
Classification: Uncertain significance for Early-infantile DEE. Last evaluated: 2023-12-18. Review status: criteria provided, single submitter. Criteria: Invitae Variant Classification Sherloc (09022015). Collection method: clinical testing. Allele origin: germline.
Comment: This sequence change replaces phenylalanine, which is neutral and non-polar, with tyrosine, which is neutral and polar, at codon 1357 of the SCN1A protein (p.Phe1357Tyr). This variant is not present in population databases (gnomAD no frequency). This variant has not been reported in the literature in individuals affected with SCN1A-related conditions. Advanced modeling of protein sequence and biophysical properties (such as structural, functional, and spatial information, amino acid conservation, physicochemical variation, residue mobility, and thermodynamic stability) performed at Invitae indicates that this missense variant is expected to disrupt SCN1A protein function with a positive predictive value of 95%. In summary, the available evidence is currently insufficient to determine the role of this variant in disease. Therefore, it has been classified as a Variant of Uncertain Significance.